The following is an entry in ClinVar:

NM_024675.4(PALB2):c.1536C>T (p.Tyr512=)

Gene: PALB2 (partner and localizer of BRCA2; minus strand). Cytogenetic location: 16p12.2.
Variant type: single nucleotide variant.
Coding change: c.1536C>T on transcript NM_024675.4 (MANE Select); coding-DNA position 1536, C replaced by T.
Protein change: p.Tyr512=; no amino-acid change (tyrosine 512 retained).
Molecular consequence: synonymous variant. On other transcripts: intron variant (3).
Genome position (GRCh38, 1-based): chr16:23,635,010, G>A on the plus strand (C>T on the coding strand, the complement: PALB2 is on the minus strand). VCF-style: chr16-23635010-G-A. GRCh37 (hg19) VCF-style: chr16-23646331-G-A.
Other names: c.1476C>T, p.Tyr492= (NM_001407296.1); c.1536C>T, p.Tyr512= (NM_001407297.1, NM_001407298.1, NM_001407299.1 and 3 more transcripts); c.651C>T, p.Tyr217= (NM_001407304.1, NM_001407305.1, NM_001407306.1 and 5 more transcripts); c.49-5735C>T (NM_001407314.1); c.-104-4541C>T (NM_001407313.1, NM_001407312.1).
Identifiers: ClinVar variation 3903904 (VCV003903904.1).

ClinVar aggregate classification (germline): Benign (1 of 4 stars; one submission).

Conditions:
Familial cancer of breast. Also called: Hereditary breast cancer; hereditary breast carcinoma; BREAST CANCER, FAMILIAL. Identifiers: Orphanet 227535, MedGen C0346153, MONDO:0016419, OMIM 114480. Disease mechanism: loss of function.

Submission:

Myriad Genetics, Inc.
Classification: Benign for Familial cancer of breast. Last evaluated: 2025-01-14. Review status: criteria provided, single submitter. Criteria: Myriad Autosomal Dominant, Autosomal Recessive and X-Linked Classification Criteria (2023). Collection method: clinical testing. Allele origin: unknown.
Comment: This variant is considered benign. This variant is a silent/synonymous amino acid change and it is not expected to impact splicing.